The following is an entry in ClinVar:

ClinVar aggregate classification (germline): Pathogenic (1 of 4 stars; one submission).

Conditions:
Juvenile polyposis syndrome (JPS). Identifiers: Orphanet 2929, MedGen C0345893, MONDO:0017380, OMIM 174900.

Submission:

Human Genetics Bochum, Ruhr University Bochum
Classification: Pathogenic for Juvenile polyposis syndrome. Last evaluated: 2023-07-11. Review status: criteria provided, single submitter. Criteria: ACMG Guidelines, 2015. Collection method: clinical testing. Allele origin: germline. Affected: yes.
Comment: ACMG criteria used to clasify this variant:PVS1, PM1, PM2_SUP

NM_005359.6(SMAD4):c.1058_1061del (p.Tyr353fs)

Gene: SMAD4 (SMAD family member 4; plus strand). Cytogenetic location: 18q21.2.
Variant type: Deletion.
Coding change: c.1058_1061del on transcript NM_005359.6 (MANE Select); coding-DNA positions 1058 to 1061, 4 bases deleted (ACGT; older notation c.1058_1061delACGT).
Protein change: p.Tyr353fs; shifts the reading frame from tyrosine 353.
Molecular consequence: frameshift variant. On other transcripts: non-coding transcript variant (2).
Genome position (GRCh38, 1-based): chr18:51,065,525-51,065,528, ACGT deleted; deleting any 4 consecutive bases within chr18:51,065,524-51,065,528 gives the same sequence; the c. name uses the placement nearest the transcript's 3' end. VCF-style (leftmost placement, unchanged base first): chr18-51065523-ATACG-A. GRCh37 (hg19) VCF-style: chr18-48591893-ATACG-A.
Other names: c.1058_1061del, p.Tyr353fs (NM_001407041.1, NM_001407042.1, NM_001407043.1); short protein forms Y353fs.
Identifiers: ClinVar variation 2583150 (VCV002583150.1), dbSNP rs2511382987, ClinGen allele CA2582342337.
Genomic context (GRCh38, chr18:51,065,523, plus strand): 5'-TGTTCAGGTAGGAGAGACATTTAAGGTTCCTTCAAGCTGCCCTATTGTTACTGTTGATGG[ATACG>A]TGGACCCTTCTGGAGGAGATCGCTTTTGTTTGGGTCAACTCTCCAATGTCCACAGGACAG-3'